The following is an entry in ClinVar:

ClinVar aggregate classification (germline): Pathogenic/Likely pathogenic. Review status: criteria provided, multiple submitters, no conflicts (2 of 4 stars). 4 submissions from 4 submitters: Pathogenic (1); Likely pathogenic (3). Last evaluated 2026-09-21.

Conditions:
Bardet-Biedl syndrome 11 (BBS11). Identifiers: Orphanet 110, MedGen C1859569, MONDO:0014439, OMIM 615988.
Sarcotubular myopathy (LGMDR8). Also called: Hutterite type of muscular dystrophy; Autosomal recessive limb-girdle muscular dystrophy type 2H; Limb-girdle muscular dystrophy, type 2H; MUSCULAR DYSTROPHY, LIMB-GIRDLE, AUTOSOMAL RECESSIVE 8. Identifiers: Orphanet 1878, MedGen C0270968, MONDO:0009683, OMIM 254110.
TRIM32-related disorder. Also called: TRIM32-related condition.
Autosomal recessive limb-girdle muscular dystrophy. Identifiers: Orphanet 102015, MedGen C2931907, MONDO:0015152.
Bardet-Biedl syndrome (BBS). Identifiers: Orphanet 110, MedGen C0752166, MONDO:0015229.

Submissions (4):

PreventionGenetics, part of Exact Sciences
Classification: Likely pathogenic for TRIM32-related condition. Last evaluated: 2026-09-21. Review status: criteria provided, single submitter. Criteria: ACMG Guidelines, 2015. Collection method: clinical testing. Allele origin: germline.
Comment: The TRIM32 c.458_465del8 variant is predicted to result in a frameshift and premature protein termination (p.Leu153Serfs*27). To our knowledge, this variant has not been reported in the literature. This variant is reported in 0.014% of alleles in individuals of Latino descent in gnomAD. Frameshift variants in TRIM32 are expected to be pathogenic. This variant is interpreted as likely pathogenic.

Labcorp Genetics (formerly Invitae), Labcorp
Classification: Pathogenic for Bardet-Biedl syndrome. Last evaluated: 2024-09-29. Review status: criteria provided, single submitter. Criteria: Invitae Variant Classification Sherloc (09022015). Collection method: clinical testing. Allele origin: germline.
Comment: This sequence change creates a premature translational stop signal (p.Leu153Serfs*27) in the TRIM32 gene. While this is not anticipated to result in nonsense mediated decay, it is expected to disrupt the last 501 amino acid(s) of the TRIM32 protein. This variant is present in population databases (rs749696299, gnomAD 0.02%). This variant has not been reported in the literature in individuals affected with TRIM32-related conditions. ClinVar contains an entry for this variant (Variation ID: 972625). This variant disrupts a region of the TRIM32 protein in which other variant(s) (p.Met370Cysfs*10) have been determined to be pathogenic (internal data). This suggests that this is a clinically significant region of the protein, and that variants that disrupt it are likely to be disease-causing. For these reasons, this variant has been classified as Pathogenic.

Women's Health and Genetics/Laboratory Corporation of America, LabCorp
Classification: Likely pathogenic for Autosomal recessive limb-girdle muscular dystrophy. Last evaluated: 2023-02-04. Review status: criteria provided, single submitter. Criteria: LabCorp Variant Classification Summary - May 2015. Collection method: clinical testing. Allele origin: germline.
Comment: Variant summary: TRIM32 c.458_465delTAACTCGT (p.Leu153SerfsX27) results in a premature termination codon, predicted to cause a truncation of the encoded protein or absence of the protein due to nonsense mediated decay, which are commonly known mechanisms for disease. Truncations downstream of this position have been classified as pathogenic within ClinVar (e.g. c.691del [p.Ala231fs], c.1108del [p.Met370fs]). The variant allele was found at a frequency of 2e-05 in 251184 control chromosomes (gnomAD). To our knowledge, no occurrence of c.458_465delTAACTCGT in individuals affected with Limb-Girdle Muscular Dystrophy, Autosomal Recessive and no experimental evidence demonstrating its impact on protein function have been reported. Two ClinVar submitters have assessed the variant since 2014: one classified the variant as likely pathogenic and one as pathogenic. Based on the evidence outlined above, the variant was classified as likely pathogenic.

Fulgent Genetics
Classification: Likely pathogenic for Sarcotubular myopathy; Bardet-Biedl syndrome 11. Last evaluated: 2021-11-27. Review status: criteria provided, single submitter. Criteria: ACMG Guidelines, 2015. Collection method: clinical testing. Allele origin: unknown.

NM_012210.4(TRIM32):c.458_465del (p.Leu153fs)

Genes: ASTN2 (astrotactin 2; minus strand), TRIM32 (tripartite motif containing 32; plus strand). Cytogenetic location: 9q33.1.
Variant type: Deletion.
Coding change: c.458_465del on transcript NM_012210.4 (MANE Select); coding-DNA positions 458 to 465, 8 bases deleted (TAACTCGT; older notation c.458_465delTAACTCGT).
Protein change: p.Leu153fs; shifts the reading frame from leucine 153.
Molecular consequence: frameshift variant. On other transcripts: intron variant (3).
Genome position (GRCh38, 1-based): chr9:116,698,200-116,698,207, TAACTCGT deleted; deleting any 8 consecutive bases within chr9:116,698,198-116,698,207 gives the same sequence; the c. name uses the placement nearest the transcript's 3' end. VCF-style (leftmost placement, unchanged base first): chr9-116698197-AGTTAACTC-A. GRCh37 (hg19) VCF-style: chr9-119460476-AGTTAACTC-A.
Other names: c.458_465del8 (NM_012210.3); c.458_465del, p.Leu153fs (NM_001379048.1, NM_001379049.1, NM_001379050.1 and 1 more transcripts); c.458_465delTAACTCGT, p.Leu153Serfs (NM_012210.3); c.2653+27566_2653+27573del (NM_014010.5); c.2794+27566_2794+27573del (NM_001365069.1); c.2806+27566_2806+27573del (NM_001365068.1); short protein forms L153fs.
Identifiers: ClinVar variation 972625 (VCV000972625.13), dbSNP rs749696299, ClinGen allele CA5210980.
Genomic context (GRCh38, chr9:116,698,197, plus strand): 5'-GCCACTGTACACTCCCTGTCAAAGAAGCAGCTGAGGAGCGGCGTCGGGACTTTGGAGAGA[AGTTAACTC>A]GTCTGCGGGAACTTATGGGGGAGCTGCAGCGGCGGAAGGCAGCCTTGGAAGGTGTCTCCA-3'